The following is an entry in ClinVar:

ClinVar aggregate classification (germline): Uncertain significance (1 of 4 stars; one submission).

Submission:

Labcorp Genetics (formerly Invitae), Labcorp
Classification: Uncertain significance. Last evaluated: 2022-08-09. Review status: criteria provided, single submitter. Criteria: Invitae Variant Classification Sherloc (09022015). Collection method: clinical testing. Allele origin: germline.
Comment: This sequence change replaces glutamine, which is neutral and polar, with leucine, which is neutral and non-polar, at codon 801 of the RNF31 protein (p.Gln801Leu). This variant is not present in population databases (gnomAD no frequency). This variant has not been reported in the literature in individuals affected with RNF31-related conditions. Algorithms developed to predict the effect of missense changes on protein structure and function are either unavailable or do not agree on the potential impact of this missense change (SIFT: "Tolerated"; PolyPhen-2: "Probably Damaging"; Align-GVGD: "Class C0"). In summary, the available evidence is currently insufficient to determine the role of this variant in disease. Therefore, it has been classified as a Variant of Uncertain Significance.

NM_017999.5(RNF31):c.2402A>T (p.Gln801Leu)

Gene: RNF31 (ring finger protein 31; plus strand). Cytogenetic location: 14q12.
Variant type: single nucleotide variant.
Coding change: c.2402A>T on transcript NM_017999.5 (MANE Select); coding-DNA position 2402, A replaced by T.
Protein change: p.Gln801Leu; replaces glutamine 801 with leucine.
Molecular consequence: missense variant.
Genome position (GRCh38, 1-based): chr14:24,155,511, A>T. VCF-style: chr14-24155511-A-T. GRCh37 (hg19) VCF-style: chr14-24624720-A-T.
Other names: c.1949A>T, p.Gln650Leu (NM_001310332.2); short protein forms Q650L, Q801L.
Identifiers: ClinVar variation 1910773 (VCV001910773.5), dbSNP rs2502015126, ClinGen allele CA389302907.